The following is an entry in ClinVar:

ClinVar aggregate classification (germline): Benign (1 of 4 stars; one submission).

Submission:

GeneDx
Classification: Benign. Last evaluated: 2018-06-19. Review status: criteria provided, single submitter. Criteria: GeneDx Variant Classification (06012015). Collection method: clinical testing. Allele origin: germline. Affected: yes.
Comment: This variant is considered likely benign or benign based on one or more of the following criteria: it is a conservative change, it occurs at a poorly conserved position in the protein, it is predicted to be benign by multiple in silico algorithms, and/or has population frequency not consistent with disease.

NM_001876.4(CPT1A):c.967+243ATTT[5]

Gene: CPT1A (carnitine palmitoyltransferase 1A; minus strand). Cytogenetic location: 11q13.3.
Variant type: Microsatellite.
Coding change: c.967+243ATTT[5] on transcript NM_001876.4 (MANE Select); five copies in a row of the 4-base unit ATTT starting at c.967+243; the reference has six copies in a row; one copy, 4 bases deleted.
Molecular consequence: intron variant.
Genome position (GRCh38, 1-based): chr11:68,793,049-68,793,052, AAAT deleted on the plus strand (ATTT on the coding strand, the reverse complement: CPT1A is on the minus strand); deleting any 4 consecutive bases within chr11:68,793,049-68,793,072 gives the same sequence; the position shown is the placement nearest the transcript's 3' end. VCF-style (leftmost placement, unchanged base first): chr11-68793048-AAAAT-A. GRCh37 (hg19) VCF-style: chr11-68560516-AAAAT-A.
Other names: c.967+243ATTT[5] (NM_001031847.3).
Identifiers: ClinVar variation 683437 (VCV000683437.1), dbSNP rs10591978, ClinGen allele CA223384365.